The following is an entry in ClinVar:

ClinVar aggregate classification (germline): Conflicting classifications of pathogenicity. Review status: criteria provided, conflicting classifications (1 of 4 stars). 13 submissions from 13 submitters: Uncertain significance (6); Benign (1); Likely benign (5). 1 of the submissions does not count toward it. Last evaluated 2026-09-23.

Conditions:
APC-related disorder. Also called: APC-related condition.
Hereditary cancer. Identifiers: MedGen C1333600.
APC-Associated Polyposis Disorders.
Hereditary cancer-predisposing syndrome. Also called: Neoplastic Syndromes, Hereditary; Tumor predisposition; Hereditary neoplastic syndrome; Hereditary Cancer Syndrome. Identifiers: Orphanet 140162, MedGen C0027672, MeSH D009386, MONDO:0015356.
Familial adenomatous polyposis 1 (FAP1). Also called: FAMILIAL ADENOMATOUS POLYPOSIS 1, ATTENUATED; POLYPOSIS, ADENOMATOUS INTESTINAL. Identifiers: MedGen C2713442, MONDO:0021056, OMIM 175100. Disease mechanism: loss of function.

Allele frequency attached by ClinVar (database versions not stated): gnomAD 0.00003 and 0.00005; gnomAD exomes 0.00003 and 0.00004; ExAC 0.00007; TOPMed 0.00008; 1000 Genomes Project 0.00060; 1000 Genomes Project 30x 0.00062.
gnomAD v4.1: 45 of 1,606,644 alleles (0.0028%); highest among the groups gnomAD compares: African/African-American, 0.029%; no homozygotes.

Submissions (13):

PreventionGenetics, part of Exact Sciences
Classification: Uncertain significance for APC-related condition. Last evaluated: 2026-09-23. Review status: criteria provided, single submitter. Criteria: ACMG Guidelines, 2015. Collection method: clinical testing. Allele origin: germline.
Comment: The APC c.647G>A variant is predicted to result in the amino acid substitution p.Arg216Gln. This variant has been reported in individuals with colorectal adenoma/cancer, but pathogenicity was not conclusively established (Azzopardi et al. 2008. PubMed ID: 18199528; Minde et al. 2011. PubMed ID: 21859464, additional file 1; Olfson et al. 2015. PubMed ID: 26332594, supplementary data; Yurgelun et al. 2017. PubMed ID: 28135145, Table A4). This variant is reported in 0.031% of alleles in individuals of African descent in gnomAD and has conflicting interpretations in ClinVar ranging from likely benign to uncertain (Variation ID: 188275). Although we suspect that this variant may be benign, at this time, the clinical significance of this variant is uncertain due to the absence of conclusive functional and genetic evidence.

Women's Health and Genetics/Laboratory Corporation of America, LabCorp
Classification: Uncertain significance. Last evaluated: 2026-03-04. Review status: criteria provided, single submitter. Criteria: LabCorp Variant Classification Summary - May 2015. Collection method: clinical testing. Allele origin: germline.
Comment: Variant summary: APC c.647G>A (p.Arg216Gln) results in a conservative amino acid change in the encoded protein sequence. Algorithms developed to predict the effect of missense changes on protein structure and function all suggest that this variant is likely to be tolerated. Consensus agreement among computation tools predict no significant impact on normal splicing. However, these predictions have yet to be confirmed by functional studies. The variant allele was found at a frequency of 4e-05 in 250290 control chromosomes. This frequency is not significantly higher than estimated for disease-causing variants in APC, allowing no conclusion about variant significance. c.647G>A has been observed in individual(s) affected with colorectal cancer and breast cancer (Azzopardi_2008, Yurgelun_NBN_2017, Guindalini_2022). These report(s) do not provide unequivocal conclusions about association of the variant with Familial Adenomatous Polyposis. To our knowledge, no experimental evidence demonstrating an impact on protein function has been reported. The following publications have been ascertained in the context of this evaluation (PMID: 18199528, 35264596, 21859464, 36243179, 26332594, 28135145). ClinVar contains an entry for this variant (Variation ID: 188275). Based on the evidence outlined above, the variant was classified as uncertain significance.

Labcorp Genetics (formerly Invitae), Labcorp
Classification: Uncertain significance for Familial adenomatous polyposis 1. Last evaluated: 2026-02-03. Review status: criteria provided, single submitter. Criteria: Invitae Variant Classification Sherloc (09022015). Collection method: clinical testing. Allele origin: germline.
Comment: This sequence change replaces arginine, which is basic and polar, with glutamine, which is neutral and polar, at codon 216 of the APC protein (p.Arg216Gln). This variant is present in population databases (rs76685252, gnomAD 0.02%). This missense change has been observed in individual(s) with colorectal cancer, breast cancer (PMID: 18199528, 28135145, 35264596). ClinVar contains an entry for this variant (Variation ID: 188275). An algorithm developed to predict the effect of missense changes on protein structure and function (PolyPhen-2) suggests that this variant is likely to be tolerated. In summary, the available evidence is currently insufficient to determine the role of this variant in disease. Therefore, it has been classified as a Variant of Uncertain Significance.

Color Diagnostics, LLC DBA Color Health
Classification: Likely benign for Hereditary cancer-predisposing syndrome. Last evaluated: 2025-08-14. Review status: criteria provided, single submitter. Criteria: ACMG Guidelines, 2015. Collection method: clinical testing. Allele origin: germline.

Ambry Genetics
Classification: Benign for Hereditary cancer-predisposing syndrome. Last evaluated: 2025-03-15. Review status: criteria provided, single submitter. Criteria: Ambry Variant Classification Scheme 2023. Collection method: clinical testing. Allele origin: germline.

Revvity Omics, Revvity
Classification: Uncertain significance. Last evaluated: 2025-03-04. Review status: criteria provided, single submitter. Criteria: ACMG Guidelines, 2015. Collection method: clinical testing. Allele origin: germline.

Myriad Genetics, Inc.
Classification: Likely benign for Familial adenomatous polyposis 1. Last evaluated: 2025-01-29. Review status: criteria provided, single submitter. Criteria: Myriad Autosomal Dominant, Autosomal Recessive and X-Linked Classification Criteria (2023). Collection method: clinical testing. Allele origin: unknown.
Comment: This variant is considered likely benign. This variant has been observed at a population frequency that is significantly greater than expected given the associated disease prevalence and penetrance.

GeneDx
Classification: Uncertain significance. Last evaluated: 2024-09-01. Review status: criteria provided, single submitter. Criteria: GeneDx Variant Classification Process June 2021. Collection method: clinical testing. Allele origin: germline. Affected: yes.
Comment: In silico analysis indicates that this missense variant does not alter protein structure/function; Observed in individuals with colorectal cancer or adenomas, or breast cancer (PMID: 18199528, 21859464, 28135145, 35264596); This variant is associated with the following publications: (PMID: 21859464, 28748566, 28873162, 27329244, 18199528, 26332594, 28135145, 35264596, 36243179)

Quest Diagnostics Nichols Institute San Juan Capistrano
Classification: Likely benign. Last evaluated: 2024-07-31. Review status: criteria provided, single submitter. Criteria: Quest Diagnostics criteria. Collection method: clinical testing. Allele origin: unknown.

Baylor Genetics
Classification: Uncertain significance for Familial adenomatous polyposis 1. Last evaluated: 2024-02-09. Review status: criteria provided, single submitter. Criteria: ACMG Guidelines, 2015. Collection method: clinical testing. Allele origin: unknown.

Mendelics
Classification: Likely benign for Hereditary cancer. Last evaluated: 2024-01-23. Review status: criteria provided, single submitter. Criteria: ACMG Guidelines, 2015. Collection method: clinical testing. Allele origin: unknown.

Illumina Laboratory Services, Illumina
Classification: Likely benign for APC-Associated Polyposis Disorders. Last evaluated: 2018-03-06. Review status: criteria provided, single submitter. Criteria: ICSL Variant Classification Criteria 13 December 2019. Collection method: clinical testing. Allele origin: germline.
Comment: This variant was observed in the ICSL laboratory as part of a predisposition screen in an ostensibly healthy population. It had not been previously curated by ICSL or reported in the Human Gene Mutation Database (HGMD: prior to June 1st, 2018), and was therefore a candidate for classification through an automated scoring system. Utilizing variant allele frequency, disease prevalence and penetrance estimates, and inheritance mode, an automated score was calculated to assess if this variant is too frequent to cause the disease. Based on the score and internal cut-off values, a variant classified as likely benign is not then subjected to further curation. The score for this variant resulted in a classification of likely benign for this disease.

Counsyl
Classification: Uncertain significance for Familial adenomatous polyposis 1. Last evaluated: 2017-06-06. Review status: no assertion criteria provided. Collection method: clinical testing. Allele origin: unknown. Not counted in ClinVar's aggregate classification.

Literature cited by the submitters: PubMed 21859464 (cited by 3 submitters); PubMed 18199528 (cited by 5 submitters); PubMed 26332594 (cited by Women's Health and Genetics/Laboratory Corporation of America, LabCorp and Quest Diagnostics Nichols Institute San Juan Capistrano); PubMed 28135145 (cited by 3 submitters); PubMed 35264596 (cited by 3 submitters); PubMed 36243179 (cited by Women's Health and Genetics/Laboratory Corporation of America, LabCorp and Quest Diagnostics Nichols Institute San Juan Capistrano).

NM_000038.6(APC):c.647G>A (p.Arg216Gln)

Gene: APC (APC regulator of Wnt signaling pathway; plus strand). Cytogenetic location: 5q22.2.
Variant type: single nucleotide variant.
Coding change: c.647G>A on transcript NM_000038.6 (MANE Select); coding-DNA position 647, G replaced by A.
Protein change: p.Arg216Gln; replaces arginine 216 with glutamine.
Molecular consequence: missense variant. On other transcripts: 5 prime UTR variant (1), intron variant (2).
Genome position (GRCh38, 1-based): chr5:112,792,447, G>A. VCF-style: chr5-112792447-G-A. GRCh37 (hg19) VCF-style: chr5-112128144-G-A.
Other names: c.647G>A, p.Arg216Gln (NM_001127510.3, NM_001354895.2, NM_001354896.2 and 1 more transcripts); c.677G>A, p.Arg226Gln (NM_001354897.2, NM_001354902.2); c.572G>A, p.Arg191Gln (NM_001354898.2, NM_001354904.2); c.470G>A, p.Arg157Gln (NM_001354900.2, NM_001354901.2, NM_001354905.2); c.-389G>A (NM_001354906.2); c.676-8832G>A (NM_001127511.3); c.646-8832G>A (NM_001354899.2); short protein forms R216Q, R157Q, R191Q, R226Q.
Identifiers: ClinVar variation 188275 (VCV000188275.43), dbSNP rs76685252, ClinGen allele CA012234.